The following is an entry in ClinVar:

ClinVar aggregate classification (germline): Uncertain significance (1 of 4 stars; one submission).

Submission:

GeneDx
Classification: Uncertain significance. Last evaluated: 2026-03-26. Review status: criteria provided, single submitter. Criteria: GeneDx Variant Classification Process June 2021. Collection method: clinical testing. Allele origin: germline.
Comment: In silico analysis suggests that this missense variant does not alter protein structure/function; Not observed at significant frequency in large population cohorts (gnomAD); This variant is associated with the following publications: (PMID: 30345660, 25500949)

NM_000257.4(MYH7):c.5230G>T (p.Ala1744Ser)

Genes: MYH7 (myosin heavy chain 7; minus strand), LOC126861897 (BRD4-independent group 4 enhancer GRCh37_chr14:23884455-23885654; plus strand). Cytogenetic location: 14q11.2.
Variant type: single nucleotide variant.
Coding change: c.5230G>T on transcript NM_000257.4 (MANE Select); coding-DNA position 5230, G replaced by T.
Protein change: p.Ala1744Ser; replaces alanine 1744 with serine.
Molecular consequence: missense variant.
Genome position (GRCh38, 1-based): chr14:23,415,434, C>A on the plus strand (G>T on the coding strand, the complement: MYH7 is on the minus strand). VCF-style: chr14-23415434-C-A. GRCh37 (hg19) VCF-style: chr14-23884643-C-A.
Other names: c.5230G>T, p.Ala1744Ser (NM_001407004.1); short protein forms A1744S.
Identifiers: ClinVar variation 5017392 (VCV005017392.1).